The following is an entry in ClinVar:

ClinVar aggregate classification (germline): Uncertain significance (1 of 4 stars; one submission).

Conditions:
Hereditary cancer-predisposing syndrome. Also called: Hereditary neoplastic syndrome; Hereditary Cancer Syndrome; Neoplastic Syndromes, Hereditary; Tumor predisposition. Identifiers: Orphanet 140162, MedGen C0027672, MeSH D009386, MONDO:0015356.

Allele frequency attached by ClinVar (database versions not stated): gnomAD exomes 0.00001.
gnomAD v4.1: 3 of 1,614,114 alleles (0.00019%); highest among the groups gnomAD compares: Non-Finnish European, 0.00025%; no homozygotes.

Submission:

Ambry Genetics
Classification: Uncertain significance for Hereditary cancer-predisposing syndrome. Last evaluated: 2023-05-26. Review status: criteria provided, single submitter. Criteria: Ambry Variant Classification Scheme 2023. Collection method: clinical testing. Allele origin: germline.
Comment: The p.E2061G variant (also known as c.6182A>G), located in coding exon 15 of the APC gene, results from an A to G substitution at nucleotide position 6182. The glutamic acid at codon 2061 is replaced by glycine, an amino acid with similar properties. This amino acid position is conserved. In addition, in silico predictors for this gene do not accurately predict pathogenicity. Since supporting evidence is limited at this time, the clinical significance of this alteration remains unclear.

NM_000038.6(APC):c.6182A>G (p.Glu2061Gly)

Gene: APC (APC regulator of Wnt signaling pathway; plus strand). Cytogenetic location: 5q22.2.
Variant type: single nucleotide variant.
Coding change: c.6182A>G on transcript NM_000038.6 (MANE Select); coding-DNA position 6182, A replaced by G.
Protein change: p.Glu2061Gly; replaces glutamic acid 2061 with glycine.
Molecular consequence: missense variant. On other transcripts: non-coding transcript variant (2).
Genome position (GRCh38, 1-based): chr5:112,841,776, A>G. VCF-style: chr5-112841776-A-G. GRCh37 (hg19) VCF-style: chr5-112177473-A-G.
Other names: c.6182A>G, p.Glu2061Gly (NM_001127510.3, NM_001354895.2, NM_001407450.1); c.6128A>G, p.Glu2043Gly (NM_001127511.3); c.6236A>G, p.Glu2079Gly (NM_001354896.2, NM_001407447.1, NM_001407448.1 and 1 more transcripts); c.6212A>G, p.Glu2071Gly (NM_001354897.2); c.6107A>G, p.Glu2036Gly (NM_001354898.2); c.6098A>G, p.Glu2033Gly (NM_001354899.2); c.6059A>G, p.Glu2020Gly (NM_001354900.2); c.6005A>G, p.Glu2002Gly (NM_001354901.2, NM_001407453.1); and 11 more; short protein forms E1677G, E2043G, E2071G, E2089G, E1778G, E1901G, E1935G, E2002G.
Identifiers: ClinVar variation 2567055 (VCV002567055.2), dbSNP rs370984580, ClinGen allele CA16034870.